The following is an entry in ClinVar:

ClinVar aggregate classification (germline): Benign (0 of 4 stars; one submission).

Conditions:
PREX2-related disorder. Also called: PREX2-related condition.

Allele frequency attached by ClinVar (database versions not stated): ESP Exome Variant Server 0.23039; gnomAD 0.25085; TOPMed 0.25139; 1000 Genomes Project 30x 0.30637; 1000 Genomes Project 0.31330; ExAC 0.35988.
gnomAD v4.1: 494,411 of 1,607,296 alleles (31%); highest among the groups gnomAD compares: East Asian, 54%; 80,095 homozygotes.

Submission:

PreventionGenetics, part of Exact Sciences
Classification: Benign for PREX2-related condition. Last evaluated: 2019-10-18. Review status: no assertion criteria provided. Collection method: clinical testing. Allele origin: germline.
Comment: This variant is classified as benign based on ACMG/AMP sequence variant interpretation guidelines (Richards et al. 2015 PMID: 25741868, with internal and published modifications).

NM_024870.4(PREX2):c.99G>A (p.Lys33=)

Gene: PREX2 (phosphatidylinositol-3,4,5-trisphosphate dependent Rac exchange factor 2; plus strand). Cytogenetic location: 8q13.2.
Variant type: single nucleotide variant.
Coding change: c.99G>A on transcript NM_024870.4 (MANE Select); coding-DNA position 99, G replaced by A.
Protein change: p.Lys33=; no amino-acid change (lysine 33 retained).
Molecular consequence: synonymous variant.
Genome position (GRCh38, 1-based): chr8:67,952,493, G>A. VCF-style: chr8-67952493-G-A. GRCh37 (hg19) VCF-style: chr8-68864728-G-A.
Other names: c.99G>A, p.Lys33= (NM_025170.6).
Identifiers: ClinVar variation 3060181 (VCV003060181.2), dbSNP rs61753697, ClinGen allele CA4773166.
Genomic context (GRCh38, chr8:67,952,493, plus strand): 5'-CGCCAAGGACCTGGAGAAGCAGCTTCGCCTGCGCGTGTGCGTGCTCAGCGAGCTCCAGAA[G>A]ACCGAGCGGGACTATGTGGGCACGCTGGAGTTCCTGGTGTCGGTGAGTGTCCCCGGCAGA-3'
Protein context (NP_079146.2, residues 23-43): LRVCVLSELQ[Lys33=]TERDYVGTLE